The following is an entry in ClinVar:

NM_000021.4(PSEN1):c.163C>A (p.Pro55Thr)

Gene: PSEN1 (presenilin 1; plus strand). Cytogenetic location: 14q24.2.
Variant type: single nucleotide variant.
Coding change: c.163C>A on transcript NM_000021.4 (MANE Select); coding-DNA position 163, C replaced by A.
Protein change: p.Pro55Thr; replaces proline 55 with threonine.
Molecular consequence: missense variant.
Genome position (GRCh38, 1-based): chr14:73,170,872, C>A. VCF-style: chr14-73170872-C-A. GRCh37 (hg19) VCF-style: chr14-73637580-C-A.
Other names: c.151C>A, p.Pro51Thr (NM_007318.3); short protein forms P51T, P55T.
Identifiers: ClinVar variation 3339410 (VCV003339410.1).

ClinVar aggregate classification (germline): Uncertain significance (1 of 4 stars; one submission).

gnomAD v4.1: 3 of 1,614,160 alleles (0.00019%); highest among the groups gnomAD compares: Non-Finnish European, 0.00017%; no homozygotes.

Submission:

Women's Health and Genetics/Laboratory Corporation of America, LabCorp
Classification: Uncertain significance. Last evaluated: 2024-07-22. Review status: criteria provided, single submitter. Criteria: LabCorp Variant Classification Summary - May 2015. Collection method: clinical testing. Allele origin: germline.
Comment: Variant summary: PSEN1 c.163C>A (p.Pro55Thr) results in a non-conservative amino acid change located in the Peptidase A22A, presenilin 1 domain (IPR002031) of the encoded protein sequence. Three of five in-silico tools predict a damaging effect of the variant on protein function. The variant was absent in 251412 control chromosomes (gnomAD). The available data on variant occurrences in the general population are insufficient to allow any conclusion about variant significance. To our knowledge, no occurrence of c.163C>A in individuals affected with Alzheimer Disease, Type 3 and no experimental evidence demonstrating its impact on protein function have been reported. No submitters have cited clinical-significance assessments for this variant to ClinVar. Based on the evidence outlined above, the variant was classified as uncertain significance.